The following is an entry in ClinVar:

ClinVar aggregate classification (germline): Likely benign. Review status: criteria provided, multiple submitters, no conflicts (2 of 4 stars). 2 submissions from 2 submitters: Likely benign (2). Last evaluated 2023-10-22.

Conditions:
Kleefstra syndrome 1 (KLEFS1). Identifiers: Orphanet 261494, MedGen C0795833, MONDO:0027407, OMIM 610253.

Allele frequency attached by ClinVar (database versions not stated): TOPMed 0.00001; gnomAD 0.00003; 1000 Genomes Project 30x 0.00031; 1000 Genomes Project 0.00040.
gnomAD v4.1: 44 of 1,614,030 alleles (0.0027%); highest among the groups gnomAD compares: Middle Eastern, 0.016%; no homozygotes.

Submissions (2):

Labcorp Genetics (formerly Invitae), Labcorp
Classification: Likely benign for Kleefstra syndrome 1. Last evaluated: 2023-10-22. Review status: criteria provided, single submitter. Criteria: Invitae Variant Classification Sherloc (09022015). Collection method: clinical testing. Allele origin: germline.

CeGaT Center for Human Genetics Tuebingen
Classification: Likely benign. Last evaluated: 2022-05-01. Review status: criteria provided, single submitter. Criteria: CeGaT Center For Human Genetics Tuebingen Variant Classification Criteria Version 2. Collection method: clinical testing. Allele origin: germline. Affected: yes. Observed: 2 variant alleles.
Comment: EHMT1: BP4

NM_024757.5(EHMT1):c.1951G>A (p.Val651Met)

Gene: EHMT1 (euchromatic histone lysine methyltransferase 1; plus strand). Cytogenetic location: 9q34.3.
Variant type: single nucleotide variant.
Coding change: c.1951G>A on transcript NM_024757.5 (MANE Select); coding-DNA position 1951, G replaced by A.
Protein change: p.Val651Met; replaces valine 651 with methionine.
Molecular consequence: missense variant.
Genome position (GRCh38, 1-based): chr9:137,776,777, G>A. VCF-style: chr9-137776777-G-A. GRCh37 (hg19) VCF-style: chr9-140671229-G-A.
Other names: c.1951G>A, p.Val651Met (NM_001145527.2); c.1858G>A, p.Val620Met (NM_001354259.2); c.1930G>A, p.Val644Met (NM_001354263.2); short protein forms V651M, V620M, V644M.
Identifiers: ClinVar variation 425474 (VCV000425474.51), dbSNP rs188452845, ClinGen allele CA5374760.